The following is an entry in ClinVar:

NM_003361.4(UMOD):c.932G>A (p.Gly311Asp)

Gene: UMOD (uromodulin; minus strand). Cytogenetic location: 16p12.3.
Variant type: single nucleotide variant.
Coding change: c.932G>A on transcript NM_003361.4 (MANE Select); coding-DNA position 932, G replaced by A.
Protein change: p.Gly311Asp; replaces glycine 311 with aspartic acid.
Molecular consequence: missense variant. On other transcripts: non-coding transcript variant (1).
Genome position (GRCh38, 1-based): chr16:20,348,264, C>T on the plus strand (G>A on the coding strand, the complement: UMOD is on the minus strand). VCF-style: chr16-20348264-C-T. GRCh37 (hg19) VCF-style: chr16-20359586-C-T.
Other names: c.932G>A, p.Gly311Asp (NM_001008389.3, NM_001378232.1, NM_001378233.1 and 3 more transcripts); c.1031G>A, p.Gly344Asp (NM_001278614.2); short protein forms G311D, G344D.
Identifiers: ClinVar variation 5008766 (VCV005008766.1).
Genomic context (GRCh38, chr16:20,348,264, plus strand): 5'-TCCTCCCCACTGGCCTCACCAGTGATGTTGAAGTCCTGTTTGCACTGGCAGTGCCATCTG[C>T]CATTATTCGATTTGCAGTCCTCGTCTATACTGCACTCCTCACACGTCCCCTCCACGGAGC-3'
Protein context (NP_003352.2, residues 301-321): SIDEDCKSNN[Gly311Asp]RWHCQCKQDF

ClinVar aggregate classification (germline): Uncertain significance (1 of 4 stars; one submission).

Submission:

GeneDx
Classification: Uncertain significance. Last evaluated: 2026-03-11. Review status: criteria provided, single submitter. Criteria: GeneDx Variant Classification Process June 2021. Collection method: clinical testing. Allele origin: germline.
Comment: Not observed at significant frequency in large population cohorts (gnomAD); In silico analysis supports that this missense variant has a deleterious effect on protein structure/function; Has not been previously published as pathogenic or benign to our knowledge